The following is an entry in ClinVar:

NM_000287.4(PEX6):c.2627G>A (p.Arg876Gln)

Gene: PEX6 (peroxisomal biogenesis factor 6; minus strand). Cytogenetic location: 6p21.1.
Variant type: single nucleotide variant.
Coding change: c.2627G>A on transcript NM_000287.4 (MANE Select); coding-DNA position 2627, G replaced by A.
Protein change: p.Arg876Gln; replaces arginine 876 with glutamine.
Molecular consequence: missense variant. On other transcripts: non-coding transcript variant (1).
Genome position (GRCh38, 1-based): chr6:42,965,114, C>T on the plus strand (G>A on the coding strand, the complement: PEX6 is on the minus strand). VCF-style: chr6-42965114-C-T. GRCh37 (hg19) VCF-style: chr6-42932852-C-T.
Other names: c.2363G>A, p.Arg788Gln (NM_001316313.2); short protein forms R788Q, R876Q.
Identifiers: ClinVar variation 2194561 (VCV002194561.1), dbSNP rs548845453, ClinGen allele CA3810957.

ClinVar aggregate classification (germline): Uncertain significance (1 of 4 stars; one submission).

Conditions:
Peroxisome biogenesis disorder. Identifiers: Orphanet 79189, MedGen C1832200, MONDO:0019234. Disease mechanism: loss of function.

Allele frequency attached by ClinVar (database versions not stated): gnomAD 0.00002; gnomAD exomes 0.00003; ExAC 0.00011; 1000 Genomes Project 30x 0.00016; 1000 Genomes Project 0.00020.
gnomAD v4.1: 43 of 1,614,180 alleles (0.0027%); highest among the groups gnomAD compares: South Asian, 0.036%; no homozygotes.

Submission:

Labcorp Genetics (formerly Invitae), Labcorp
Classification: Uncertain significance for Peroxisome biogenesis disorder. Last evaluated: 2022-03-22. Review status: criteria provided, single submitter. Criteria: Invitae Variant Classification Sherloc (09022015). Collection method: clinical testing. Allele origin: germline.
Comment: This sequence change replaces arginine, which is basic and polar, with glutamine, which is neutral and polar, at codon 876 of the PEX6 protein (p.Arg876Gln). This variant is present in population databases (rs548845453, gnomAD 0.05%). This variant has not been reported in the literature in individuals affected with PEX6-related conditions. Algorithms developed to predict the effect of missense changes on protein structure and function are either unavailable or do not agree on the potential impact of this missense change (SIFT: "Tolerated"; PolyPhen-2: "Possibly Damaging"; Align-GVGD: "Class C0"). In summary, the available evidence is currently insufficient to determine the role of this variant in disease. Therefore, it has been classified as a Variant of Uncertain Significance.